The following is an entry in ClinVar:

NM_001347721.2(DYRK1A):c.1544G>C (p.Ser515Thr)

Gene: DYRK1A (dual specificity tyrosine phosphorylation regulated kinase 1A; plus strand). Cytogenetic location: 21q22.13.
Variant type: single nucleotide variant.
Coding change: c.1544G>C on transcript NM_001347721.2 (MANE Select); coding-DNA position 1544, G replaced by C.
Protein change: p.Ser515Thr; replaces serine 515 with threonine.
Molecular consequence: missense variant. On other transcripts: intron variant (1).
Genome position (GRCh38, 1-based): chr21:37,506,123, G>C. VCF-style: chr21-37506123-G-C. GRCh37 (hg19) VCF-style: chr21-38878426-G-C.
Other names: c.1544G>C, p.Ser515Thr (NM_001347722.2, NM_130436.2); c.1457G>C, p.Ser486Thr (NM_001347723.2); c.1571G>C, p.Ser524Thr (NM_001396.5, NM_101395.2); c.1546+534G>C (NM_130438.2); short protein forms S524T, S486T, S515T.
Identifiers: ClinVar variation 2696115 (VCV002696115.3), dbSNP rs750087915, ClinGen allele CA10024004.

ClinVar aggregate classification (germline): Uncertain significance (1 of 4 stars; one submission).

Conditions:
DYRK1A-related intellectual disability syndrome (MRD7). Also called: Intellectual developmental disorder, autosomal dominant 7; DYRK1A Syndrome. Identifiers: Orphanet 464306, MedGen C5568143, MONDO:0013578, OMIM 614104.

Allele frequency attached by ClinVar (database versions not stated): gnomAD exomes 0.00001; ExAC 0.00002.
gnomAD v4.1: 4 of 1,612,844 alleles (0.00025%); highest among the groups gnomAD compares: Admixed American, 0.0017%; no homozygotes.

Submission:

Labcorp Genetics (formerly Invitae), Labcorp
Classification: Uncertain significance for DYRK1A-related intellectual disability syndrome. Last evaluated: 2023-11-15. Review status: criteria provided, single submitter. Criteria: Invitae Variant Classification Sherloc (09022015). Collection method: clinical testing. Allele origin: germline.
Comment: This sequence change replaces serine, which is neutral and polar, with threonine, which is neutral and polar, at codon 524 of the DYRK1A protein (p.Ser524Thr). This variant is present in population databases (rs750087915, gnomAD 0.003%). This variant has not been reported in the literature in individuals affected with DYRK1A-related conditions. Advanced modeling of protein sequence and biophysical properties (such as structural, functional, and spatial information, amino acid conservation, physicochemical variation, residue mobility, and thermodynamic stability) performed at Invitae indicates that this missense variant is not expected to disrupt DYRK1A protein function with a negative predictive value of 95%. In summary, the available evidence is currently insufficient to determine the role of this variant in disease. Therefore, it has been classified as a Variant of Uncertain Significance.